The following is an entry in ClinVar:

ClinVar aggregate classification (germline): Uncertain significance (1 of 4 stars; one submission).

Allele frequency attached by ClinVar (database versions not stated): gnomAD exomes below 0.00001.
gnomAD v4.1: 2 of 1,591,924 alleles (0.00013%); highest among the groups gnomAD compares: Non-Finnish European, 0.00017%; no homozygotes.

Submission:

Labcorp Genetics (formerly Invitae), Labcorp
Classification: Uncertain significance. Last evaluated: 2021-10-07. Review status: criteria provided, single submitter. Criteria: Invitae Variant Classification Sherloc (09022015). Collection method: clinical testing. Allele origin: germline.
Comment: In summary, the available evidence is currently insufficient to determine the role of this variant in disease. Therefore, it has been classified as a Variant of Uncertain Significance. Algorithms developed to predict the effect of missense changes on protein structure and function are either unavailable or do not agree on the potential impact of this missense change (SIFT: "Deleterious"; PolyPhen-2: "Possibly Damaging"; Align-GVGD: "Class C0"). This variant has not been reported in the literature in individuals affected with SI-related conditions. This variant is not present in population databases (ExAC no frequency). This sequence change replaces glycine with cysteine at codon 268 of the SI protein (p.Gly268Cys). The glycine residue is moderately conserved and there is a large physicochemical difference between glycine and cysteine.

NM_001041.4(SI):c.802G>T (p.Gly268Cys)

Gene: SI (sucrase-isomaltase; minus strand). Cytogenetic location: 3q26.1.
Variant type: single nucleotide variant.
Coding change: c.802G>T on transcript NM_001041.4 (MANE Select); coding-DNA position 802, G replaced by T.
Protein change: p.Gly268Cys; replaces glycine 268 with cysteine.
Molecular consequence: missense variant.
Genome position (GRCh38, 1-based): chr3:165,065,266, C>A on the plus strand (G>T on the coding strand, the complement: SI is on the minus strand). VCF-style: chr3-165065266-C-A. GRCh37 (hg19) VCF-style: chr3-164783054-C-A.
Other names: short protein forms G268C.
Identifiers: ClinVar variation 1441354 (VCV001441354.6), dbSNP rs2108258357, ClinGen allele CA355032521.